The following is an entry in ClinVar:

ClinVar aggregate classification (germline): Conflicting classifications of pathogenicity. Review status: criteria provided, conflicting classifications (1 of 4 stars). 2 submissions from 2 submitters: Likely pathogenic (1); Uncertain significance (1). Last evaluated 2025-09-29.

Conditions:
Fetal akinesia deformation sequence 2. Identifiers: MedGen C4760576, MONDO:0100102, OMIM 618388.
RAPSN-related disorder. Also called: RAPSN-related disorders; RAPSN-related condition. Identifiers: MedGen CN239397.

Submissions (2):

Myriad Genetics, Inc.
Classification: Uncertain significance for RAPSN-related disorder. Last evaluated: 2025-09-29. Review status: criteria provided, single submitter. Criteria: Myriad Autosomal Dominant, Autosomal Recessive and X-Linked Classification Criteria (2023). Collection method: clinical testing. Allele origin: unknown.
Comment: NM_005055.4(RAPSN):c.1207delC(R403Afs*5) is a frameshift variant classified as a variant of uncertain significance in the context of RAPSN-related disorders. R403Afs*5 has not been observed in cases with relevant disease. Relevant functional assessments of this variant are not available in the literature. R403Afs*5 has not been observed in referenced population frequency databases. In summary, there is insufficient evidence to classify NM_005055.4(RAPSN):c.1207delC(R403Afs*5) as pathogenic or benign. Please note: this variant was assessed in the context of healthy population screening.

Baylor Genetics
Classification: Likely pathogenic for Fetal akinesia deformation sequence 2. Last evaluated: 2024-03-30. Review status: criteria provided, single submitter. Criteria: ACMG Guidelines, 2015. Collection method: clinical testing. Allele origin: unknown.

NM_005055.5(RAPSN):c.1207del (p.Arg403fs)

Gene: RAPSN (receptor associated protein of the synapse; minus strand). Cytogenetic location: 11p11.2.
Variant type: Deletion.
Coding change: c.1207del on transcript NM_005055.5 (MANE Select); coding-DNA position 1207, one base deleted (C; older notation c.1207delC).
Protein change: p.Arg403fs; shifts the reading frame from arginine 403.
Molecular consequence: frameshift variant.
Genome position (GRCh38, 1-based): chr11:47,438,007, G deleted on the plus strand (C on the coding strand, the reverse complement: RAPSN is on the minus strand); the first of 2 consecutive G bases (chr11:47,438,007-47,438,008); deleting either gives the same sequence. VCF-style (leftmost placement, unchanged base first): chr11-47438006-CG-C. GRCh37 (hg19) VCF-style: chr11-47459557-CG-C.
Other names: c.1030del, p.Arg344fs (NM_032645.5); short protein forms R344fs, R403fs.
Identifiers: ClinVar variation 2678226 (VCV002678226.3), dbSNP rs2496080518, ClinGen allele CA2695201129.